The following is an entry in ClinVar:

NM_198252.3(GSN):c.827A>G (p.Lys276Arg)

Gene: GSN (gelsolin; plus strand). Cytogenetic location: 9q33.2.
Variant type: single nucleotide variant.
Coding change: c.827A>G on transcript NM_198252.3 (MANE Select); coding-DNA position 827, A replaced by G.
Protein change: p.Lys276Arg; replaces lysine 276 with arginine.
Molecular consequence: missense variant.
Genome position (GRCh38, 1-based): chr9:121,317,159, A>G. VCF-style: chr9-121317159-A-G. GRCh37 (hg19) VCF-style: chr9-124079437-A-G.
Other names: c.980A>G, p.Lys327Arg (NM_000177.5); c.827A>G, p.Lys276Arg (NM_001127662.2, NM_001127664.2, NM_001127665.2 and 10 more transcripts); c.935A>G, p.Lys312Arg (NM_001127663.2); c.860A>G, p.Lys287Arg (NM_001127666.2, NM_001127667.2, NM_001353063.2 and 13 more transcripts); c.878A>G, p.Lys293Arg (NM_001258029.2); c.851A>G, p.Lys284Arg (NM_001258030.2); c.899A>G, p.Lys300Arg (NM_001353076.2); c.173A>G, p.Lys58Arg (NM_001353078.2); short protein forms K276R, K287R, K58R, K293R, K284R, K312R, K327R, K300R.
Identifiers: ClinVar variation 1516554 (VCV001516554.6), dbSNP rs1315500359, ClinGen allele CA374743598.
Genomic context (GRCh38, chr9:121,317,159, plus strand): 5'-CAGGGACCATGTCCGTCTCCCTCGTGGCTGATGAGAACCCCTTCGCCCAGGGGGCCCTGA[A>G]GTCAGAGGACTGCTTCATCCTGGACCACGGCAAAGATGGGAAAATCTTTGTCTGGAAAGG-3'
Protein context (NP_937895.1, residues 266-286): DENPFAQGAL[Lys276Arg]SEDCFILDHG

ClinVar aggregate classification (germline): Uncertain significance (1 of 4 stars; one submission).

Allele frequency attached by ClinVar (database versions not stated): gnomAD 0.00001; TOPMed 0.00001.
gnomAD v4.1: 2 of 1,614,064 alleles (0.00012%); highest among the groups gnomAD compares: African/African-American, 0.0027%; no homozygotes.

Submission:

Labcorp Genetics (formerly Invitae), Labcorp
Classification: Uncertain significance. Last evaluated: 2021-08-31. Review status: criteria provided, single submitter. Criteria: Invitae Variant Classification Sherloc (09022015). Collection method: clinical testing. Allele origin: germline.
Comment: This sequence change replaces lysine with arginine at codon 327 of the GSN protein (p.Lys327Arg). The lysine residue is weakly conserved and there is a small physicochemical difference between lysine and arginine. In summary, the available evidence is currently insufficient to determine the role of this variant in disease. Therefore, it has been classified as a Variant of Uncertain Significance. Algorithms developed to predict the effect of missense changes on protein structure and function output the following: SIFT: "Tolerated"; PolyPhen-2: "Benign"; Align-GVGD: "Class C0". The arginine amino acid residue is found in multiple mammalian species, which suggests that this missense change does not adversely affect protein function. This variant has not been reported in the literature in individuals affected with GSN-related conditions. This variant is not present in population databases (ExAC no frequency).